The following is an entry in ClinVar:

ClinVar aggregate classification (germline): Uncertain significance (1 of 4 stars; one submission).

gnomAD v4.1: 2 of 1,613,856 alleles (0.00012%); highest among the groups gnomAD compares: Non-Finnish European, 0.00017%; no homozygotes.

Submission:

Labcorp Genetics (formerly Invitae), Labcorp
Classification: Uncertain significance. Last evaluated: 2024-06-03. Review status: criteria provided, single submitter. Criteria: Invitae Variant Classification Sherloc (09022015). Collection method: clinical testing. Allele origin: germline.
Comment: This sequence change replaces alanine, which is neutral and non-polar, with serine, which is neutral and polar, at codon 57 of the FOXC2 protein (p.Ala57Ser). This variant is not present in population databases (gnomAD no frequency). This variant has not been reported in the literature in individuals affected with FOXC2-related conditions. An algorithm developed to predict the effect of missense changes on protein structure and function (PolyPhen-2) suggests that this variant is likely to be tolerated. In summary, the available evidence is currently insufficient to determine the role of this variant in disease. Therefore, it has been classified as a Variant of Uncertain Significance.

NM_005251.3(FOXC2):c.169G>T (p.Ala57Ser)

Genes: FOXC2 (forkhead box C2; plus strand), FOXC2-AS1 (FOXC2 antisense RNA 1; minus strand). Cytogenetic location: 16q24.1.
Variant type: single nucleotide variant.
Coding change: c.169G>T on transcript NM_005251.3 (MANE Select); coding-DNA position 169, G replaced by T.
Protein change: p.Ala57Ser; replaces alanine 57 with serine.
Molecular consequence: missense variant.
Genome position (GRCh38, 1-based): chr16:86,567,504, G>T. VCF-style: chr16-86567504-G-T. GRCh37 (hg19) VCF-style: chr16-86601110-G-T.
Other names: short protein forms A57S.
Identifiers: ClinVar variation 2819936 (VCV002819936.3), dbSNP rs2144018400, ClinGen allele CA397006120.